The following is an entry in ClinVar:

NM_182914.3(SYNE2):c.4905A>C (p.Glu1635Asp)

Gene: SYNE2 (spectrin repeat containing nuclear envelope protein 2; plus strand). Cytogenetic location: 14q23.2.
Variant type: single nucleotide variant.
Coding change: c.4905A>C on transcript NM_182914.3 (MANE Select); coding-DNA position 4905, A replaced by C.
Protein change: p.Glu1635Asp; replaces glutamic acid 1635 with aspartic acid.
Molecular consequence: missense variant.
Genome position (GRCh38, 1-based): chr14:64,017,612, A>C. VCF-style: chr14-64017612-A-C. GRCh37 (hg19) VCF-style: chr14-64484330-A-C.
Other names: c.4905A>C, p.Glu1635Asp (NM_015180.6); short protein forms E1635D.
Identifiers: ClinVar variation 2760121 (VCV002760121.3), dbSNP rs1266867469, ClinGen allele CA389938113.

ClinVar aggregate classification (germline): Uncertain significance (1 of 4 stars; one submission).

Conditions:
Emery-Dreifuss muscular dystrophy 5, autosomal dominant (EDMD5). Also called: EMERY-DREIFUSS MUSCULAR DYSTROPHY 5. Identifiers: Orphanet 261, MedGen C2751805, MONDO:0013072, OMIM 612999.

Allele frequency attached by ClinVar (database versions not stated): gnomAD exomes below 0.00001.
gnomAD v4.1: 2 of 1,612,666 alleles (0.00012%); highest among the groups gnomAD compares: South Asian, 0.0022%; no homozygotes.

Submission:

Labcorp Genetics (formerly Invitae), Labcorp
Classification: Uncertain significance for Emery-Dreifuss muscular dystrophy 5, autosomal dominant. Last evaluated: 2023-09-11. Review status: criteria provided, single submitter. Criteria: Invitae Variant Classification Sherloc (09022015). Collection method: clinical testing. Allele origin: germline.
Comment: In summary, the available evidence is currently insufficient to determine the role of this variant in disease. Therefore, it has been classified as a Variant of Uncertain Significance. An algorithm developed to predict the effect of missense changes on protein structure and function (PolyPhen-2) suggests that this variant is likely to be disruptive. This sequence change replaces glutamic acid, which is acidic and polar, with aspartic acid, which is acidic and polar, at codon 1635 of the SYNE2 protein (p.Glu1635Asp). This variant is present in population databases (no rsID available, gnomAD 0.006%). This variant has not been reported in the literature in individuals affected with SYNE2-related conditions.